The following is an entry in ClinVar:

NM_152743.4(BRAT1):c.1259C>T (p.Ala420Val)

Gene: BRAT1 (BRCA1 associated ATM activator 1; minus strand). Cytogenetic location: 7p22.3.
Variant type: single nucleotide variant.
Coding change: c.1259C>T on transcript NM_152743.4 (MANE Select); coding-DNA position 1259, C replaced by T.
Protein change: p.Ala420Val; replaces alanine 420 with valine.
Molecular consequence: missense variant. On other transcripts: non-coding transcript variant (1).
Genome position (GRCh38, 1-based): chr7:2,541,360, G>A on the plus strand (C>T on the coding strand, the complement: BRAT1 is on the minus strand). VCF-style: chr7-2541360-G-A. GRCh37 (hg19) VCF-style: chr7-2580994-G-A.
Other names: c.1259C>T, p.Ala420Val (NM_001350626.2); c.734C>T, p.Ala245Val (NM_001350627.2); short protein forms A420V, A245V.
Identifiers: ClinVar variation 472934 (VCV000472934.6), dbSNP rs779635361, ClinGen allele CA4127863.
Genomic context (GRCh38, chr7:2,541,360, plus strand): 5'-GTCCCCTGTGACAGCGTCCCCAGGAAGTCGAGGGCTGCTCGCTGGACCCGGACGCAGCCC[G>A]CCAGGGTCCCACAGAGGTGGCCCCCCACACTGGAGGCAGGGGCAGCCGAGCCGTCACAGA-3'
Protein context (NP_689956.2, residues 410-430): SVGGHLCGTL[Ala420Val]GCVRVQRAAL

ClinVar aggregate classification (germline): Uncertain significance (1 of 4 stars; one submission).

Conditions:
Neonatal-onset encephalopathy with rigidity and seizures. Also called: Lethal neonatal spasticity-epileptic encephalopathy syndrome. Identifiers: Orphanet 435845, MedGen C3281029, MONDO:0013784, OMIM 614498.

Allele frequency attached by ClinVar (database versions not stated): gnomAD 0.00001; TOPMed 0.00001; ExAC 0.00003.
gnomAD v4.1: 8 of 1,606,866 alleles (0.0005%); highest among the groups gnomAD compares: African/African-American, 0.0013%; no homozygotes.

Submission:

Labcorp Genetics (formerly Invitae), Labcorp
Classification: Uncertain significance for Neonatal-onset encephalopathy with rigidity and seizures. Last evaluated: 2022-07-06. Review status: criteria provided, single submitter. Criteria: Invitae Variant Classification Sherloc (09022015). Collection method: clinical testing. Allele origin: germline.
Comment: This sequence change replaces alanine, which is neutral and non-polar, with valine, which is neutral and non-polar, at codon 420 of the BRAT1 protein (p.Ala420Val). The frequency data for this variant in the population databases is considered unreliable, as metrics indicate poor data quality at this position in the gnomAD database. This variant has not been reported in the literature in individuals affected with BRAT1-related conditions. ClinVar contains an entry for this variant (Variation ID: 472934). Algorithms developed to predict the effect of missense changes on protein structure and function output the following: SIFT: "Tolerated"; PolyPhen-2: "Benign"; Align-GVGD: "Class C0". The valine amino acid residue is found in multiple mammalian species, which suggests that this missense change does not adversely affect protein function. Algorithms developed to predict the effect of sequence changes on RNA splicing suggest that this variant may create or strengthen a splice site. In summary, the available evidence is currently insufficient to determine the role of this variant in disease. Therefore, it has been classified as a Variant of Uncertain Significance.